The following is an entry in ClinVar:

NM_001378414.1(HDAC4):c.2281-3C>G

Gene: HDAC4 (histone deacetylase 4; minus strand). Cytogenetic location: 2q37.3.
Variant type: single nucleotide variant.
Coding change: c.2281-3C>G on transcript NM_001378414.1 (MANE Select); 3 bases into the intron before coding-DNA position 2281, C replaced by G.
Molecular consequence: intron variant.
Genome position (GRCh38, 1-based): chr2:239,090,119, G>C on the plus strand (C>G on the coding strand, the complement: HDAC4 is on the minus strand). VCF-style: chr2-239090119-G-C. GRCh37 (hg19) VCF-style: chr2-240011815-G-C.
Other names: c.2266-3C>G (NM_001378417.1, NM_001378416.1, NM_006037.4); c.2281-3C>G (NM_001378415.1); c.2122-3C>G (NM_001435993.1); c.2200-3C>G (NM_001435991.1, NM_001435992.1).
Identifiers: ClinVar variation 4996140 (VCV004996140.1).
Genomic context (GRCh38, chr2:239,090,119, plus strand): 5'-CAGCCAGGCGGGCTGCCCCCGCCGAGTGCACCTCGTTCCATATGGTGTCACTGTCCACCT[G>C]TGGAAACAACACCCCACAGTGAGGTCACCCTCCCAGGCCACCGTCATCACCAGCCCTGGC-3'

ClinVar aggregate classification (germline): Uncertain significance (1 of 4 stars; one submission).

Conditions:
HDAC4-related disorder. Also called: HDAC4-related condition.

Submission:

PreventionGenetics, part of Exact Sciences
Classification: Uncertain significance for HDAC4-related condition. Last evaluated: 2026-07-10. Review status: criteria provided, single submitter. Criteria: ACMG Guidelines, 2015. Collection method: clinical testing. Allele origin: germline.
Comment: The HDAC4 c.2266-3C>G variant is predicted to interfere with splicing. This variant is predicted to impact splicing based on a computational splicing prediction program; however, the impact of this variant has not been functionally validated (SpliceAI, Jaganathan et al. 2019. PubMed ID: 30661751). To our knowledge, this variant has not been reported in the literature or in a large population database (gnomAD), indicating this variant is rare. At this time, the clinical significance of this variant is uncertain due to the absence of conclusive functional and genetic evidence.